The following is an entry in ClinVar:

NM_006363.6(SEC23B):c.235C>G (p.Arg79Gly)

Gene: SEC23B (SEC23 homolog B, COPII component; plus strand). Cytogenetic location: 20p11.23.
Variant type: single nucleotide variant.
Coding change: c.235C>G on transcript NM_006363.6 (MANE Select); coding-DNA position 235, C replaced by G.
Protein change: p.Arg79Gly; replaces arginine 79 with glycine.
Molecular consequence: missense variant.
Genome position (GRCh38, 1-based): chr20:18,512,238, C>G. VCF-style: chr20-18512238-C-G. GRCh37 (hg19) VCF-style: chr20-18492882-C-G.
Other names: c.235C>G, p.Arg79Gly (NM_001172745.3, NM_001172746.3, NM_032985.6 and 1 more transcripts); short protein forms R79G.
Identifiers: ClinVar variation 4793812 (VCV004793812.1).

ClinVar aggregate classification (germline): Uncertain significance (1 of 4 stars; one submission).

Conditions:
Congenital dyserythropoietic anemia, type II (CDAN2). Also called: DYSERYTHROPOIETIC ANEMIA, HEMPAS TYPE. Identifiers: Orphanet 98873, MedGen C1306589, MONDO:0009134, OMIM 224100.
Cowden syndrome 7 (CWS7). Identifiers: Orphanet 201, MedGen C4225179, MONDO:0014802, OMIM 616858.

gnomAD v4.1: 4 of 1,589,996 alleles (0.00025%); highest among the groups gnomAD compares: Admixed American, 0.0067%; no homozygotes.

Submission:

Labcorp Genetics (formerly Invitae), Labcorp
Classification: Uncertain significance for Congenital dyserythropoietic anemia, type II; Cowden syndrome 7. Last evaluated: 2025-08-31. Review status: criteria provided, single submitter. Criteria: Invitae Variant Classification Sherloc (09022015). Collection method: clinical testing. Allele origin: germline.
Comment: This sequence change replaces arginine, which is basic and polar, with glycine, which is neutral and non-polar, at codon 79 of the SEC23B protein (p.Arg79Gly). This variant is present in population databases (no rsID available, gnomAD 0.009%). This variant has not been reported in the literature in individuals affected with SEC23B-related conditions. Invitae Evidence Modeling of protein sequence and biophysical properties (such as structural, functional, and spatial information, amino acid conservation, physicochemical variation, residue mobility, and thermodynamic stability) indicates that this missense variant is not expected to disrupt SEC23B protein function with a negative predictive value of 95%. In summary, the available evidence is currently insufficient to determine the role of this variant in disease. Therefore, it has been classified as a Variant of Uncertain Significance.